The following is an entry in ClinVar:

ClinVar aggregate classification (germline): Uncertain significance. Review status: criteria provided, multiple submitters, no conflicts (2 of 4 stars). 2 submissions from 2 submitters: Uncertain significance (2). Last evaluated 2023-07-15.

Conditions:
Pancreatic adenocarcinoma. Identifiers: MedGen C0281361, MONDO:0006047, HP:0006725.

Submissions (2):

Ambry Genetics
Classification: Uncertain significance. Last evaluated: 2023-07-15. Review status: criteria provided, single submitter. Criteria: Ambry Variant Classification Scheme 2023. Collection method: clinical testing. Allele origin: germline.
Comment: The p.Y766D variant (also known as c.2296T>G), located in coding exon 12 of the PALLD gene, results from a T to G substitution at nucleotide position 2296. The tyrosine at codon 766 is replaced by aspartic acid, an amino acid with highly dissimilar properties. This amino acid position is conserved. In addition, this alteration is predicted to be tolerated by in silico analysis. Since supporting evidence is limited at this time, the clinical significance of this alteration remains unclear.

Labcorp Genetics (formerly Invitae), Labcorp
Classification: Uncertain significance for Pancreatic adenocarcinoma. Last evaluated: 2022-07-12. Review status: criteria provided, single submitter. Criteria: Invitae Variant Classification Sherloc (09022015). Collection method: clinical testing. Allele origin: germline.
Comment: In summary, the available evidence is currently insufficient to determine the role of this variant in disease. Therefore, it has been classified as a Variant of Uncertain Significance. Algorithms developed to predict the effect of missense changes on protein structure and function (SIFT, PolyPhen-2, Align-GVGD) all suggest that this variant is likely to be tolerated. ClinVar contains an entry for this variant (Variation ID: 220035). This variant has not been reported in the literature in individuals affected with PALLD-related conditions. This variant is not present in population databases (gnomAD no frequency). This sequence change replaces tyrosine, which is neutral and polar, with aspartic acid, which is acidic and polar, at codon 279 of the PALLD protein (p.Tyr279Asp).

NM_001166108.2(PALLD):c.2347T>G (p.Tyr783Asp)

Genes: CBR4 (carbonyl reductase 4; minus strand), PALLD (palladin, cytoskeletal associated protein; plus strand). Cytogenetic location: 4q32.3.
Variant type: single nucleotide variant.
Coding change: c.2347T>G on transcript NM_001166108.2 (MANE Select); coding-DNA position 2347, T replaced by G.
Protein change: p.Tyr783Asp; replaces tyrosine 783 with aspartic acid.
Molecular consequence: missense variant.
Genome position (GRCh38, 1-based): chr4:168,898,589, T>G. VCF-style: chr4-168898589-T-G. GRCh37 (hg19) VCF-style: chr4-169819740-T-G.
Other names: c.1150T>G, p.Tyr384Asp (NM_001166109.2); c.835T>G, p.Tyr279Asp (NM_001166110.2); c.175T>G, p.Tyr59Asp (NM_001367567.1, NM_001367569.1); c.226T>G, p.Tyr76Asp (NM_001367568.1, NM_001367570.1); c.2296T>G, p.Tyr766Asp (NM_016081.4); c.2296T>G (NM_016081.3); short protein forms Y766D, Y279D, Y384D, Y76D, Y783D, Y59D.
Identifiers: ClinVar variation 220035 (VCV000220035.11), dbSNP rs864622355, ClinGen allele CA348883.